The following is an entry in ClinVar:

ClinVar aggregate classification (germline): Likely pathogenic (1 of 4 stars; one submission).

Conditions:
LAMA2-related muscular dystrophy (LAMA2-RD). Also called: Laminin alpha 2-related dystrophy. Identifiers: MedGen C5679788, MONDO:0100228.

Submission:

Myriad Genetics, Inc.
Classification: Likely pathogenic for LAMA2-related muscular dystrophy. Last evaluated: 2022-02-20. Review status: criteria provided, single submitter. Criteria: Myriad Autosomal Dominant, Autosomal Recessive and X-Linked Classification Criteria (2023). Collection method: clinical testing. Allele origin: unknown.
Comment: NM_000426.3(LAMA2):c.3896T>A(L1299*) is expected to be pathogenic in the context of muscular dystrophy, LAMA2-related. This variant is predicted to lead to an abnormal or absent protein product due to the creation of a premature termination codon in LAMA2, a gene where loss-of-function variants are known to be pathogenic. Please note: this variant was assessed in the context of healthy population screening.

NM_000426.4(LAMA2):c.3896T>A (p.Leu1299Ter)

Gene: LAMA2 (laminin subunit alpha 2; plus strand). Cytogenetic location: 6q22.33.
Variant type: single nucleotide variant.
Coding change: c.3896T>A on transcript NM_000426.4 (MANE Select); coding-DNA position 3896, T replaced by A.
Protein change: p.Leu1299Ter; replaces leucine 1299 with a stop codon.
Molecular consequence: nonsense.
Genome position (GRCh38, 1-based): chr6:129,315,922, T>A. VCF-style: chr6-129315922-T-A. GRCh37 (hg19) VCF-style: chr6-129637067-T-A.
Other names: c.3896T>A, p.Leu1299Ter (NM_001079823.2); short protein forms L1299*.
Identifiers: ClinVar variation 1724575 (VCV001724575.3), dbSNP rs2482417558, ClinGen allele CA365613502.